The following is an entry in ClinVar:

NM_003072.5(SMARCA4):c.4348A>G (p.Lys1450Glu)

Gene: SMARCA4 (SWI/SNF related BAF chromatin remodeling complex subunit ATPase 4; plus strand). Cytogenetic location: 19p13.2.
Variant type: single nucleotide variant.
Coding change: c.4348A>G on transcript NM_003072.5 (MANE Select); coding-DNA position 4348, A replaced by G.
Protein change: p.Lys1450Glu; replaces lysine 1450 with glutamic acid.
Molecular consequence: missense variant. On other transcripts: non-coding transcript variant (1).
Genome position (GRCh38, 1-based): chr19:11,041,484, A>G. VCF-style: chr19-11041484-A-G. GRCh37 (hg19) VCF-style: chr19-11152160-A-G.
Other names: c.4348A>G, p.Lys1450Glu (NM_001128844.3); c.4258A>G, p.Lys1420Glu (NM_001128845.2, NM_001128846.2); c.4249A>G, p.Lys1417Glu (NM_001128847.4, NM_001128848.2, NM_001374457.1); c.4444A>G, p.Lys1482Glu (NM_001128849.3, NM_001387283.1); short protein forms K1450E, K1482E, K1417E, K1420E.
Identifiers: ClinVar variation 1466884 (VCV001466884.8), dbSNP rs2146820574, ClinGen allele CA404073944.

ClinVar aggregate classification (germline): Uncertain significance (1 of 4 stars; one submission).

Conditions:
Rhabdoid tumor predisposition syndrome 2 (RTPS2). Identifiers: Orphanet 231108, Orphanet 69077, MedGen C2750074, MONDO:0013224, OMIM 613325.

Submission:

Labcorp Genetics (formerly Invitae), Labcorp
Classification: Uncertain significance for Rhabdoid tumor predisposition syndrome 2. Last evaluated: 2021-01-07. Review status: criteria provided, single submitter. Criteria: Invitae Variant Classification Sherloc (09022015). Collection method: clinical testing. Allele origin: germline.
Comment: This variant is not present in population databases (ExAC no frequency). This variant has not been reported in the literature in individuals with SMARCA4-related conditions. Algorithms developed to predict the effect of missense changes on protein structure and function are either unavailable or do not agree on the potential impact of this missense change (SIFT: "Deleterious"; PolyPhen-2: "Benign"; Align-GVGD: "Class C55"). In summary, the available evidence is currently insufficient to determine the role of this variant in disease. Therefore, it has been classified as a Variant of Uncertain Significance. This sequence change replaces lysine with glutamic acid at codon 1482 of the SMARCA4 protein (p.Lys1482Glu). The lysine residue is highly conserved and there is a small physicochemical difference between lysine and glutamic acid.